The following is an entry in ClinVar:

NM_000094.4(COL7A1):c.5269C>T (p.Gln1757Ter)

Gene: COL7A1 (collagen type VII alpha 1 chain; minus strand). Cytogenetic location: 3p21.31.
Variant type: single nucleotide variant.
Coding change: c.5269C>T on transcript NM_000094.4 (MANE Select); coding-DNA position 5269, C replaced by T.
Protein change: p.Gln1757Ter; replaces glutamine 1757 with a stop codon.
Molecular consequence: nonsense.
Genome position (GRCh38, 1-based): chr3:48,579,482, G>A on the plus strand (C>T on the coding strand, the complement: COL7A1 is on the minus strand). VCF-style: chr3-48579482-G-A. GRCh37 (hg19) VCF-style: chr3-48616915-G-A.
Other names: short protein forms Q1757*.
Identifiers: ClinVar variation 2132837 (VCV002132837.4), dbSNP rs2531059791, ClinGen allele CA352676609.

ClinVar aggregate classification (germline): Pathogenic (1 of 4 stars; one submission).

Submission:

Labcorp Genetics (formerly Invitae), Labcorp
Classification: Pathogenic. Last evaluated: 2022-05-03. Review status: criteria provided, single submitter. Criteria: Invitae Variant Classification Sherloc (09022015). Collection method: clinical testing. Allele origin: germline.
Comment: For these reasons, this variant has been classified as Pathogenic. Algorithms developed to predict the effect of sequence changes on RNA splicing suggest that this variant may disrupt the consensus splice site. This variant has not been reported in the literature in individuals affected with COL7A1-related conditions. This variant is not present in population databases (gnomAD no frequency). This sequence change creates a premature translational stop signal (p.Gln1757*) in the COL7A1 gene. It is expected to result in an absent or disrupted protein product. Loss-of-function variants in COL7A1 are known to be pathogenic (PMID: 16971478).

Literature cited by the submitters: PubMed 16971478.